The following is an entry in ClinVar:

ClinVar aggregate classification (germline): Uncertain significance (1 of 4 stars; one submission).

Allele frequency attached by ClinVar (database versions not stated): gnomAD 0.00001; ExAC 0.00002; TOPMed 0.00002.
gnomAD v4.1: 9 of 1,614,054 alleles (0.00056%); highest among the groups gnomAD compares: South Asian, 0.0033%; no homozygotes.

Submission:

Labcorp Genetics (formerly Invitae), Labcorp
Classification: Uncertain significance. Last evaluated: 2022-09-19. Review status: criteria provided, single submitter. Criteria: Invitae Variant Classification Sherloc (09022015). Collection method: clinical testing. Allele origin: germline.
Comment: In summary, the available evidence is currently insufficient to determine the role of this variant in disease. Therefore, it has been classified as a Variant of Uncertain Significance. Algorithms developed to predict the effect of missense changes on protein structure and function are either unavailable or do not agree on the potential impact of this missense change (SIFT: "Deleterious"; PolyPhen-2: "Possibly Damaging"; Align-GVGD: "Class C0"). This variant has not been reported in the literature in individuals affected with RNF31-related conditions. This variant is present in population databases (rs749888687, gnomAD 0.006%). This sequence change replaces arginine, which is basic and polar, with tryptophan, which is neutral and slightly polar, at codon 607 of the RNF31 protein (p.Arg607Trp).

NM_017999.5(RNF31):c.1819C>T (p.Arg607Trp)

Gene: RNF31 (ring finger protein 31; plus strand). Cytogenetic location: 14q12.
Variant type: single nucleotide variant.
Coding change: c.1819C>T on transcript NM_017999.5 (MANE Select); coding-DNA position 1819, C replaced by T.
Protein change: p.Arg607Trp; replaces arginine 607 with tryptophan.
Molecular consequence: missense variant.
Genome position (GRCh38, 1-based): chr14:24,151,566, C>T. VCF-style: chr14-24151566-C-T. GRCh37 (hg19) VCF-style: chr14-24620775-C-T.
Other names: c.1366C>T, p.Arg456Trp (NM_001310332.2); short protein forms R607W, R456W.
Identifiers: ClinVar variation 1962081 (VCV001962081.5), dbSNP rs749888687, ClinGen allele CA7125892.
Genomic context (GRCh38, chr14:24,151,566, plus strand): 5'-GGCTTTGGGCCTGAGGAGGGGTCTCTCCAGGCATTGTTCCAGCACGGAGGTGATGTGTCA[C>T]GGGCCCTGACTGAGCTACAGCGCCAACGCCTAGAGCCCTTCCGCCAGCGCCTCTGGGACA-3'
Protein context (NP_060469.4, residues 597-617): ALFQHGGDVS[Arg607Trp]ALTELQRQRL